The following is an entry in ClinVar:

NM_004530.6(MMP2):c.1769+13_1769+14delinsTT

Gene: MMP2 (matrix metallopeptidase 2; plus strand). Cytogenetic location: 16q12.2.
Variant type: Indel.
Coding change: c.1769+13_1769+14delinsTT on transcript NM_004530.6 (MANE Select); bases 13 to 14 of the intron after coding-DNA position 1769, GG replaced by TT.
Molecular consequence: intron variant.
Genome position (GRCh38, 1-based): chr16:55,498,461-55,498,462, GG replaced by TT. VCF-style: chr16-55498461-GG-TT. GRCh37 (hg19) VCF-style: chr16-55532373-GG-TT.
Other names: c.1541+13_1541+14delinsTT (NM_001302508.1, NM_001302510.2, NM_001302509.2); c.1619+13_1619+14delinsTT (NM_001127891.3).
Identifiers: ClinVar variation 3689543 (VCV003689543.2).

ClinVar aggregate classification (germline): Uncertain significance (1 of 4 stars; one submission).

Submission:

Labcorp Genetics (formerly Invitae), Labcorp
Classification: Uncertain significance. Last evaluated: 2024-02-08. Review status: criteria provided, single submitter. Criteria: Invitae Variant Classification Sherloc (09022015). Collection method: clinical testing. Allele origin: germline.
Comment: This sequence change falls in intron 11 of the MMP2 gene. It does not directly change the encoded amino acid sequence of the MMP2 protein. Information on the frequency of this variant in the gnomAD database is not available, as this variant may be reported differently in the database. This variant has not been reported in the literature in individuals affected with MMP2-related conditions. Experimental studies and prediction algorithms are not available or were not evaluated, and the functional significance of this variant is currently unknown. In summary, the available evidence is currently insufficient to determine the role of this variant in disease. Therefore, it has been classified as a Variant of Uncertain Significance.